The following is an entry in ClinVar:

NM_006231.4(POLE):c.1299C>T (p.Gly433=)

Gene: POLE (DNA polymerase epsilon, catalytic subunit; minus strand). Cytogenetic location: 12q24.33.
Variant type: single nucleotide variant.
Coding change: c.1299C>T on transcript NM_006231.4 (MANE Select); coding-DNA position 1299, C replaced by T.
Protein change: p.Gly433=; no amino-acid change (glycine 433 retained).
Molecular consequence: synonymous variant.
Genome position (GRCh38, 1-based): chr12:132,673,635, G>A on the plus strand (C>T on the coding strand, the complement: POLE is on the minus strand). VCF-style: chr12-132673635-G-A. GRCh37 (hg19) VCF-style: chr12-133250221-G-A.
Other names: c.1299C>T (NM_006231.2).
Identifiers: ClinVar variation 1127613 (VCV001127613.11), dbSNP rs1241897422, ClinGen allele CA482722792.

ClinVar aggregate classification (germline): Benign/Likely benign. Review status: criteria provided, multiple submitters, no conflicts (2 of 4 stars). 3 submissions from 3 submitters: Benign (1); Likely benign (2). Last evaluated 2025-07-30.

Conditions:
Hereditary cancer-predisposing syndrome. Also called: Hereditary neoplastic syndrome; Hereditary Cancer Syndrome; Tumor predisposition; Neoplastic Syndromes, Hereditary. Identifiers: Orphanet 140162, MedGen C0027672, MeSH D009386, MONDO:0015356.
Colorectal cancer, susceptibility to, 12 (CRCS12). Also called: COLORECTAL CANCER, SUSCEPTIBILITY TO, ON CHROMOSOME 12q24. Identifiers: Orphanet 220460, MedGen C3554460, MONDO:0014038, OMIM 615083.

Allele frequency attached by ClinVar (database versions not stated): gnomAD exomes below 0.00001; TOPMed below 0.00001.
gnomAD v4.1: 2 of 1,614,000 alleles (0.00012%); highest among the groups gnomAD compares: Admixed American, 0.0017%; no homozygotes.

Submissions (3):

Labcorp Genetics (formerly Invitae), Labcorp
Classification: Likely benign. Last evaluated: 2025-07-30. Review status: criteria provided, single submitter. Criteria: Invitae Variant Classification Sherloc (09022015). Collection method: clinical testing. Allele origin: germline.

Myriad Genetics, Inc.
Classification: Benign for Colorectal cancer, susceptibility to, 12. Last evaluated: 2025-02-10. Review status: criteria provided, single submitter. Criteria: Myriad Autosomal Dominant, Autosomal Recessive and X-Linked Classification Criteria (2023). Collection method: clinical testing. Allele origin: unknown.
Comment: This variant is considered benign. This variant is a silent/synonymous amino acid change and it is not expected to impact splicing.

Ambry Genetics
Classification: Likely benign for Hereditary cancer-predisposing syndrome. Last evaluated: 2023-07-27. Review status: criteria provided, single submitter. Criteria: Ambry Variant Classification Scheme 2023. Collection method: clinical testing. Allele origin: germline.